The following is an entry in ClinVar:

NM_006346.4(PIBF1):c.1224-6668C>T

Gene: PIBF1 (progesterone immunomodulatory binding factor 1; plus strand). Cytogenetic location: 13q22.1.
Variant type: single nucleotide variant.
Coding change: c.1224-6668C>T on transcript NM_006346.4 (MANE Select); 6668 bases into the intron before coding-DNA position 1224, C replaced by T.
Molecular consequence: intron variant. On other transcripts: missense variant (1).
Genome position (GRCh38, 1-based): chr13:72,847,389, C>T. VCF-style: chr13-72847389-C-T. GRCh37 (hg19) VCF-style: chr13-73421527-C-T.
Other names: c.1252C>T, p.Arg418Cys (NM_001349655.2); short protein forms R418C.
Identifiers: ClinVar variation 4981019 (VCV004981019.1).

ClinVar aggregate classification (germline): Likely benign (1 of 4 stars; one submission).

Conditions:
PIBF1-related disorder. Also called: PIBF1-related condition.

gnomAD v4.1: 172 of 152,272 alleles (0.11%); highest among the groups gnomAD compares: African/African-American, 0.33%; 1 homozygote.

Submission:

PreventionGenetics, part of Exact Sciences
Classification: Likely benign for PIBF1-related condition. Last evaluated: 2026-08-17. Review status: criteria provided, single submitter. Criteria: ACMG Guidelines, 2015. Collection method: clinical testing. Allele origin: germline.
Comment: This variant is classified as likely benign based on ACMG/AMP sequence variant interpretation guidelines (Richards et al. 2015 PMID: 25741868, with internal and published modifications).